The following is an entry in ClinVar:

NM_001042492.3(NF1):c.6023A>C (p.Asp2008Ala)

Gene: NF1 (neurofibromin 1; plus strand). Cytogenetic location: 17q11.2.
Variant type: single nucleotide variant.
Coding change: c.6023A>C on transcript NM_001042492.3 (MANE Select); coding-DNA position 6023, A replaced by C.
Protein change: p.Asp2008Ala; replaces aspartic acid 2008 with alanine.
Molecular consequence: missense variant.
Genome position (GRCh38, 1-based): chr17:31,336,349, A>C. VCF-style: chr17-31336349-A-C. GRCh37 (hg19) VCF-style: chr17-29663367-A-C.
Other names: c.5960A>C, p.Asp1987Ala (NM_000267.4); short protein forms D1987A, D2008A.
Identifiers: ClinVar variation 1702856 (VCV001702856.6), dbSNP rs2069668717, ClinGen allele CA399011028.

ClinVar aggregate classification (germline): Likely pathogenic. Review status: criteria provided, multiple submitters, no conflicts (2 of 4 stars). 2 submissions from 2 submitters: Likely pathogenic (2). Last evaluated 2024-01-24.

Conditions:
Neurofibromatosis, type 1 (NF1). Also called: VON RECKLINGHAUSEN DISEASE; NEUROFIBROMATOSIS, TYPE I, SOMATIC; Peripheral type neurofibromatosis; Neurofibromatosis, type I. Identifiers: Orphanet 636, MedGen C0027831, MONDO:0018975, OMIM 162200. Disease mechanism: loss of function.

Submissions (2):

Labcorp Genetics (formerly Invitae), Labcorp
Classification: Likely pathogenic for Neurofibromatosis, type 1. Last evaluated: 2024-01-24. Review status: criteria provided, single submitter. Criteria: Invitae Variant Classification Sherloc (09022015). Collection method: clinical testing. Allele origin: germline.
Comment: This sequence change replaces aspartic acid, which is acidic and polar, with alanine, which is neutral and non-polar, at codon 1987 of the NF1 protein (p.Asp1987Ala). This variant is not present in population databases (gnomAD no frequency). This variant has not been reported in the literature in individuals affected with NF1-related conditions. ClinVar contains an entry for this variant (Variation ID: 1702856). Advanced modeling of protein sequence and biophysical properties (such as structural, functional, and spatial information, amino acid conservation, physicochemical variation, residue mobility, and thermodynamic stability) performed at Invitae indicates that this missense variant is expected to disrupt NF1 protein function with a positive predictive value of 95%. This variant disrupts the p.Asp1987 amino acid residue in NF1. Other variant(s) that disrupt this residue have been determined to be pathogenic (Invitae; external communication). This suggests that this residue is clinically significant, and that variants that disrupt this residue are likely to be disease-causing. In summary, the currently available evidence indicates that the variant is pathogenic, but additional data are needed to prove that conclusively. Therefore, this variant has been classified as Likely Pathogenic.

Medical Genetics, University of Parma
Classification: Likely pathogenic for Neurofibromatosis, type 1. Last evaluated: 2022-08-17. Review status: criteria provided, single submitter. Criteria: ACMG Guidelines, 2015. Collection method: clinical testing. Allele origin: germline. Inheritance: Autosomal dominant inheritance. Affected: yes.